The following is an entry in ClinVar:

NM_000565.4(IL6R):c.155C>T (p.Pro52Leu)

Gene: IL6R (interleukin 6 receptor; plus strand). Cytogenetic location: 1q21.3.
Variant type: single nucleotide variant.
Coding change: c.155C>T on transcript NM_000565.4 (MANE Select); coding-DNA position 155, C replaced by T.
Protein change: p.Pro52Leu; replaces proline 52 with leucine.
Molecular consequence: missense variant. On other transcripts: intron variant (1).
Genome position (GRCh38, 1-based): chr1:154,429,265, C>T. VCF-style: chr1-154429265-C-T. GRCh37 (hg19) VCF-style: chr1-154401741-C-T.
Other names: c.155C>T, p.Pro52Leu (NM_001206866.2, NM_001382769.1, NM_001382770.1 and 4 more transcripts); c.126+29C>T (NM_001382774.1); short protein forms P52L.
Identifiers: ClinVar variation 1451027 (VCV001451027.5), dbSNP rs138458259, ClinGen allele CA1128932.

ClinVar aggregate classification (germline): Conflicting classifications of pathogenicity. Review status: criteria provided, conflicting classifications (1 of 4 stars). 3 submissions from 3 submitters: Uncertain significance (2); Likely benign (1). Last evaluated 2024-09-09.

Allele frequency attached by ClinVar (database versions not stated): gnomAD exomes 0.00007 and 0.00009; ESP Exome Variant Server 0.00008; ExAC 0.00012; gnomAD 0.00014 and 0.00015; TOPMed 0.00018.
gnomAD v4.1: 121 of 1,614,028 alleles (0.0075%); highest among the groups gnomAD compares: Middle Eastern, 0.049%; 1 homozygote.

Submissions (3):

Blueprint Genetics
Classification: Likely benign. Last evaluated: 2024-09-09. Review status: criteria provided, single submitter. Criteria: ACMG Guidelines, 2015. Collection method: clinical testing. Allele origin: germline.

Labcorp Genetics (formerly Invitae), Labcorp
Classification: Uncertain significance. Last evaluated: 2022-09-07. Review status: criteria provided, single submitter. Criteria: Invitae Variant Classification Sherloc (09022015). Collection method: clinical testing. Allele origin: germline.
Comment: This sequence change replaces proline, which is neutral and non-polar, with leucine, which is neutral and non-polar, at codon 52 of the IL6R protein (p.Pro52Leu). This variant is present in population databases (rs138458259, gnomAD 0.02%). This variant has not been reported in the literature in individuals affected with IL6R-related conditions. ClinVar contains an entry for this variant (Variation ID: 1451027). Algorithms developed to predict the effect of missense changes on protein structure and function output the following: SIFT: "Tolerated"; PolyPhen-2: "Benign"; Align-GVGD: "Class C0". The leucine amino acid residue is found in multiple mammalian species, which suggests that this missense change does not adversely affect protein function. In summary, the available evidence is currently insufficient to determine the role of this variant in disease. Therefore, it has been classified as a Variant of Uncertain Significance.

Breakthrough Genomics
Classification: Uncertain significance. Review status: criteria provided, single submitter. Criteria: ACMG Guidelines, 2015. Collection method: not provided. Allele origin: germline. Inheritance: Autosomal recessive inheritance. Affected: yes.